The following is an entry in ClinVar:

NM_053025.4(MYLK):c.1087dup (p.Val363fs)

Gene: MYLK (myosin light chain kinase; minus strand). Cytogenetic location: 3q21.1.
Variant type: Duplication.
Coding change: c.1087dup on transcript NM_053025.4 (MANE Select); coding-DNA position 1087, one base duplicated (G; older notation c.1087dupG).
Protein change: p.Val363fs; shifts the reading frame from valine 363.
Molecular consequence: frameshift variant.
Genome position (GRCh38, 1-based): chr3:123,733,909, C duplicated on the plus strand (G on the coding strand, the reverse complement: MYLK is on the minus strand); the first of 5 consecutive C bases (chr3:123,733,909-123,733,913); duplicating any one gives the same sequence. VCF-style (leftmost placement, unchanged base first): chr3-123733908-A-AC. GRCh37 (hg19) VCF-style: chr3-123452755-A-AC.
Other names: c.559dup, p.Val187fs (NM_001321309.2); c.1087dup, p.Val363fs (NM_053026.4, NM_053027.4, NM_053028.4); short protein forms V187fs, V363fs.
Identifiers: ClinVar variation 4739401 (VCV004739401.1).
Genomic context (GRCh38, chr3:123,733,908, plus strand): 5'-GGGAAGGTGGCTGGACGGGGAGGAGCTGGCCTCTTCCTCTCTTCTCCAGAAGGTGATAGG[A>AC]CCCCCAGGCCTGGTGCTCTTGGTTCCGGCTGAACTCTTGCGGCCTGCAGGGTGATGGAGC-3'

ClinVar aggregate classification (germline): Uncertain significance (1 of 4 stars; one submission).

Conditions:
Aortic aneurysm, familial thoracic 7 (AAT7). Also called: AORTIC DISSECTION, FAMILIAL, WITH OR WITHOUT AORTIC ANEURYSM. Identifiers: MedGen C3151077, MONDO:0013418, OMIM 613780.

Submission:

Labcorp Genetics (formerly Invitae), Labcorp
Classification: Uncertain significance for Aortic aneurysm, familial thoracic 7. Last evaluated: 2025-06-08. Review status: criteria provided, single submitter. Criteria: Invitae Variant Classification Sherloc (09022015). Collection method: clinical testing. Allele origin: germline.
Comment: This sequence change creates a premature translational stop signal (p.Val363Glyfs*38) in the MYLK gene. This variant occurs in the long isoform of MYLK (PMID: 21055718). The current clinical and genetic evidence is not sufficient to establish whether loss-of-function variants in the long isoform of MYLK cause disease. This variant is not present in population databases (gnomAD no frequency). This variant has not been reported in the literature in individuals affected with MYLK-related conditions. In summary, the available evidence is currently insufficient to determine the role of this variant in disease. Therefore, it has been classified as a Variant of Uncertain Significance.

Literature cited by the submitters: PubMed 21055718.